The following is an entry in ClinVar:

NM_013447.4(ADGRE2):c.1192+6G>A

Gene: ADGRE2 (adhesion G protein-coupled receptor E2; minus strand). Cytogenetic location: 19p13.12.
Variant type: single nucleotide variant.
Coding change: c.1192+6G>A on transcript NM_013447.4 (MANE Select); 6 bases into the intron after coding-DNA position 1192, G replaced by A.
Molecular consequence: intron variant.
Genome position (GRCh38, 1-based): chr19:14,756,232, C>T on the plus strand (G>A on the coding strand, the complement: ADGRE2 is on the minus strand). VCF-style: chr19-14756232-C-T. GRCh37 (hg19) VCF-style: chr19-14867044-C-T.
Other names: c.1192+6G>A (NM_001271052.1).
Identifiers: ClinVar variation 1945863 (VCV001945863.5), dbSNP rs2513107784, ClinGen allele CA2580096641.

ClinVar aggregate classification (germline): Uncertain significance (1 of 4 stars; one submission).

Submission:

Labcorp Genetics (formerly Invitae), Labcorp
Classification: Uncertain significance. Last evaluated: 2022-06-04. Review status: criteria provided, single submitter. Criteria: Invitae Variant Classification Sherloc (09022015). Collection method: clinical testing. Allele origin: germline.
Comment: Variants that disrupt the consensus splice site are a relatively common cause of aberrant splicing (PMID: 17576681, 9536098). Algorithms developed to predict the effect of sequence changes on RNA splicing suggest that this variant is not likely to affect RNA splicing. In summary, the available evidence is currently insufficient to determine the role of this variant in disease. Therefore, it has been classified as a Variant of Uncertain Significance. This variant has not been reported in the literature in individuals affected with ADGRE2-related conditions. This variant is not present in population databases (gnomAD no frequency). This sequence change falls in intron 12 of the ADGRE2 gene. It does not directly change the encoded amino acid sequence of the ADGRE2 protein. It affects a nucleotide within the consensus splice site.

Literature cited by the submitters: PubMed 17576681; PubMed 9536098.